The following is an entry in ClinVar:

NM_172107.4(KCNQ2):c.2162A>G (p.Gln721Arg)

Gene: KCNQ2 (potassium voltage-gated channel subfamily Q member 2; minus strand). Cytogenetic location: 20q13.33.
Variant type: single nucleotide variant.
Coding change: c.2162A>G on transcript NM_172107.4 (MANE Select); coding-DNA position 2162, A replaced by G.
Protein change: p.Gln721Arg; replaces glutamine 721 with arginine.
Molecular consequence: missense variant.
Genome position (GRCh38, 1-based): chr20:63,407,101, T>C on the plus strand (A>G on the coding strand, the complement: KCNQ2 is on the minus strand). VCF-style: chr20-63407101-T-C. GRCh37 (hg19) VCF-style: chr20-62038454-T-C.
Other names: c.2216A>G, p.Gln739Arg (NM_001382235.1); c.2078A>G, p.Gln693Arg (NM_004518.6); c.2108A>G, p.Gln703Arg (NM_172106.3); c.2069A>G, p.Gln690Arg (NM_172108.5); short protein forms Q693R, Q721R, Q739R, Q690R, Q703R.
Identifiers: ClinVar variation 3017170 (VCV003017170.3), dbSNP rs2516100403, ClinGen allele CA409638771.
Genomic context (GRCh38, chr20:63,407,101, plus strand): 5'-CGCACCAGGGAGCCGTGGTCCCCCACGGGGGAGGTGCCGTGGCCCTGGCGCGGGTGGCTC[T>C]GTGGCTGCCAGGAGGTGGAGGGCGGACACTGGACAGGGGGCGCGGCCGGGGGCGCCGAGA-3'
Protein context (NP_742105.1, residues 711-731): QCPPSTSWQP[Gln721Arg]SHPRQGHGTS

ClinVar aggregate classification (germline): Uncertain significance (1 of 4 stars; one submission).

Conditions:
Early-infantile DEE. Also called: Early infantile epileptic encephalopathy with suppression bursts; Early infantile epileptic encephalopathy; Ohtahara syndrome. Identifiers: Orphanet 1934, MedGen C0393706, MONDO:0800491.

Allele frequency attached by ClinVar (database versions not stated): gnomAD exomes below 0.00001.
gnomAD v4.1: 1 of 1,540,034 alleles (0.000065%); highest among the groups gnomAD compares: Non-Finnish European, 0.000087%; no homozygotes.

Submission:

Labcorp Genetics (formerly Invitae), Labcorp
Classification: Uncertain significance for Early-infantile DEE. Last evaluated: 2023-11-27. Review status: criteria provided, single submitter. Criteria: Invitae Variant Classification Sherloc (09022015). Collection method: clinical testing. Allele origin: germline.
Comment: This sequence change replaces glutamine, which is neutral and polar, with arginine, which is basic and polar, at codon 721 of the KCNQ2 protein (p.Gln721Arg). This variant is not present in population databases (gnomAD no frequency). This variant has not been reported in the literature in individuals affected with KCNQ2-related conditions. An algorithm developed to predict the effect of missense changes on protein structure and function (PolyPhen-2) suggests that this variant is likely to be tolerated. In summary, the available evidence is currently insufficient to determine the role of this variant in disease. Therefore, it has been classified as a Variant of Uncertain Significance.